The following is an entry in ClinVar:

NM_001029883.3(PCARE):c.1306T>C (p.Ser436Pro)

Gene: PCARE (photoreceptor cilium actin regulator; minus strand). Cytogenetic location: 2p23.2.
Variant type: single nucleotide variant.
Coding change: c.1306T>C on transcript NM_001029883.3 (MANE Select); coding-DNA position 1306, T replaced by C.
Protein change: p.Ser436Pro; replaces serine 436 with proline.
Molecular consequence: missense variant.
Genome position (GRCh38, 1-based): chr2:29,072,956, A>G on the plus strand (T>C on the coding strand, the complement: PCARE is on the minus strand). VCF-style: chr2-29072956-A-G. GRCh37 (hg19) VCF-style: chr2-29295822-A-G.
Other names: short protein forms S436P.
Identifiers: ClinVar variation 1901572 (VCV001901572.5), dbSNP rs1667519529, ClinGen allele CA346480466.

ClinVar aggregate classification (germline): Uncertain significance (1 of 4 stars; one submission).

Submission:

Labcorp Genetics (formerly Invitae), Labcorp
Classification: Uncertain significance. Last evaluated: 2022-11-01. Review status: criteria provided, single submitter. Criteria: Invitae Variant Classification Sherloc (09022015). Collection method: clinical testing. Allele origin: germline.
Comment: This sequence change replaces serine, which is neutral and polar, with proline, which is neutral and non-polar, at codon 436 of the PCARE protein (p.Ser436Pro). This variant is not present in population databases (gnomAD no frequency). This variant has not been reported in the literature in individuals affected with PCARE-related conditions. Algorithms developed to predict the effect of missense changes on protein structure and function output the following: SIFT: "Tolerated"; PolyPhen-2: "Benign"; Align-GVGD: "Class C0". The proline amino acid residue is found in multiple mammalian species, which suggests that this missense change does not adversely affect protein function. In summary, the available evidence is currently insufficient to determine the role of this variant in disease. Therefore, it has been classified as a Variant of Uncertain Significance.